The following is an entry in ClinVar:

ClinVar aggregate classification (germline): Pathogenic (1 of 4 stars; one submission).

Submission:

GeneDx
Classification: Pathogenic. Last evaluated: 2018-02-26. Review status: criteria provided, single submitter. Criteria: GeneDx Variant Classification (06012015). Collection method: clinical testing. Allele origin: germline. Affected: yes.
Comment: The R742X variant in the USP9X gene has not been reported previously as a pathogenic variant nor as a benign variant, to our knowledge. This variant is predicted to cause loss of normal protein function either through protein truncation or nonsense-mediated mRNA decay. The R742X variant is not observed in large population cohorts (Lek et al., 2016). We interpret R742X as a pathogenic variant.

NM_001039591.3(USP9X):c.2224C>T (p.Arg742Ter)

Gene: USP9X (ubiquitin specific peptidase 9 X-linked; plus strand). Cytogenetic location: Xp11.4.
Variant type: single nucleotide variant.
Coding change: c.2224C>T on transcript NM_001039591.3 (MANE Select); coding-DNA position 2224, C replaced by T.
Protein change: p.Arg742Ter; replaces arginine 742 with a stop codon.
Molecular consequence: nonsense.
Genome position (GRCh38, 1-based): chrX:41,166,110, C>T. VCF-style: chrX-41166110-C-T. GRCh37 (hg19) VCF-style: chrX-41025363-C-T.
Other names: c.2224C>T, p.Arg742Ter (NM_001039590.3); short protein forms R742*.
Identifiers: ClinVar variation 504343 (VCV000504343.2), dbSNP rs1555924860, ClinGen allele CA412753905.
Genomic context (GRCh38, chrX:41,166,110, plus strand): 5'-AGTAATGTGCTTCAGCTTGATCCTTCTCTGTTAACTGAAAATGGAATGAAGTGTTTTGAG[C>T]GATTCTTCAAAGCTGTGAATTGTCGAGAAGGAAAACTAGTAGCAAAAAGGAGAGCCTATA-3'